The following is an entry in ClinVar:

NM_001206671.4(RIC3):c.362G>C (p.Gly121Ala)

Gene: RIC3 (RIC3 acetylcholine receptor chaperone; minus strand). Cytogenetic location: 11p15.4.
Variant type: single nucleotide variant.
Coding change: c.362G>C on transcript NM_001206671.4 (MANE Select); coding-DNA position 362, G replaced by C.
Protein change: p.Gly121Ala; replaces glycine 121 with alanine.
Molecular consequence: missense variant. On other transcripts: non-coding transcript variant (2), intron variant (1), 5 prime UTR variant (1).
Genome position (GRCh38, 1-based): chr11:8,138,337, C>G on the plus strand (G>C on the coding strand, the complement: RIC3 is on the minus strand). VCF-style: chr11-8138337-C-G. GRCh37 (hg19) VCF-style: chr11-8159884-C-G.
Other names: p.Gly121Ala; c.362G>C, p.Gly121Ala (NM_024557.6, NM_001206672.4, NM_001346691.2); c.125-27200G>C (NM_001135109.4); c.-258G>C (NM_001346690.2); c.215G>C, p.Gly72Ala (NM_001346692.2, NM_001346693.2, NM_001346694.2); short protein forms G121A, G72A.
Identifiers: ClinVar variation 4683590 (VCV004683590.1).

ClinVar aggregate classification (germline): Benign (1 of 4 stars; one submission).

gnomAD v4.1: 17,026 of 1,611,466 alleles (1.1%); highest among the groups gnomAD compares: Non-Finnish European, 1.3%; 163 homozygotes.

Submission:

Mayo Clinic Laboratories, Mayo Clinic
Classification: Benign. Last evaluated: 2023-09-27. Review status: criteria provided, single submitter. Criteria: ACMG Guidelines, 2015. Collection method: clinical testing. Allele origin: germline. Observed: 10 variant alleles.
Comment: BS1, BS2, BP4

Literature cited by the submitters: PubMed 28153381.